The following is an entry in ClinVar:

ClinVar aggregate classification (germline): Pathogenic (1 of 4 stars; one submission).

Conditions:
Neurofibromatosis, type 1 (NF1). Also called: Peripheral type neurofibromatosis; VON RECKLINGHAUSEN DISEASE; Neurofibromatosis, type I; NEUROFIBROMATOSIS, TYPE I, SOMATIC. Identifiers: Orphanet 636, MedGen C0027831, MONDO:0018975, OMIM 162200. Disease mechanism: loss of function.

Submission:

Labcorp Genetics (formerly Invitae), Labcorp
Classification: Pathogenic for Neurofibromatosis, type 1. Last evaluated: 2018-05-14. Review status: criteria provided, single submitter. Criteria: Invitae Variant Classification Sherloc (09022015). Collection method: clinical testing. Allele origin: germline.
Comment: For these reasons, this variant has been classified as Pathogenic. Loss-of-function variants in NF1 are known to be pathogenic (PMID: 10712197, 23913538). This variant has not been reported in the literature in individuals with NF1-related disease. This variant is not present in population databases (ExAC no frequency). This sequence change creates a premature translational stop signal (p.Gly444Valfs*29) in the NF1 gene. It is expected to result in an absent or disrupted protein product.

Literature cited by the submitters: PubMed 10712197; PubMed 23913538.

NM_001042492.3(NF1):c.1331del (p.Gly444fs)

Gene: NF1 (neurofibromin 1; plus strand). Cytogenetic location: 17q11.2.
Variant type: Deletion.
Coding change: c.1331del on transcript NM_001042492.3 (MANE Select); coding-DNA position 1331, one base deleted (G; older notation c.1331delG).
Protein change: p.Gly444fs; shifts the reading frame from glycine 444.
Molecular consequence: frameshift variant.
Genome position (GRCh38, 1-based): chr17:31,206,310, G deleted; the last of 2 consecutive G bases (chr17:31,206,309-31,206,310); deleting either gives the same sequence. VCF-style (leftmost placement, unchanged base first): chr17-31206308-TG-T. GRCh37 (hg19) VCF-style: chr17-29533326-TG-T.
Other names: c.1331delG (NM_000267.3); c.1331delG, p.Gly444Valfs (NM_000267.4); c.1331del, p.Gly444fs (NM_001128147.3); short protein forms G444fs.
Identifiers: ClinVar variation 569133 (VCV000569133.5), dbSNP rs1567838293, ClinGen allele CA891844351.